The following is an entry in ClinVar:

ClinVar aggregate classification (germline): Pathogenic (1 of 4 stars; one submission).

gnomAD v4.1: 9 of 1,611,746 alleles (0.00056%); highest among the groups gnomAD compares: East Asian, 0.0067%; no homozygotes.

Submission:

GeneDx
Classification: Pathogenic. Last evaluated: 2025-07-31. Review status: criteria provided, single submitter. Criteria: GeneDx Variant Classification Process June 2021. Collection method: clinical testing. Allele origin: germline.
Comment: Reported in the heterozygous state in a patient with atopic dermatitis in the published literature (PMID: 39251451); Nonsense variant predicted to result in protein truncation, as the last 1499 amino acid(s) are lost, and other loss-of-function variants have been reported downstream in HGMD; This variant is associated with the following publications: (PMID: 16444271, 39251451)

NM_002016.2(FLG):c.7688G>A (p.Trp2563Ter)

Genes: CCDST (cervical cancer associated DHX9 suppressive transcript; plus strand), FLG (filaggrin; minus strand). Cytogenetic location: 1q21.3.
Variant type: single nucleotide variant.
Coding change: c.7688G>A on transcript NM_002016.2 (MANE Select); coding-DNA position 7688, G replaced by A.
Protein change: p.Trp2563Ter; replaces tryptophan 2563 with a stop codon.
Molecular consequence: nonsense.
Genome position (GRCh38, 1-based): chr1:152,307,198, C>T on the plus strand (G>A on the coding strand, the complement: FLG is on the minus strand). VCF-style: chr1-152307198-C-T. GRCh37 (hg19) VCF-style: chr1-152279674-C-T.
Other names: short protein forms W2563*.
Identifiers: ClinVar variation 3573484 (VCV003573484.2).